The following is an entry in ClinVar:

ClinVar aggregate classification (germline): Pathogenic (1 of 4 stars; one submission).

Conditions:
Global developmental delay with or without impaired intellectual development. Identifiers: MedGen C5193032, MONDO:0032680, OMIM 618330.

Submission:

Victorian Clinical Genetics Services, Murdoch Childrens Research Institute
Classification: Pathogenic for Global developmental delay with or without impaired intellectual development. Last evaluated: 2025-08-24. Review status: criteria provided, single submitter. Criteria: ACMG Guidelines, 2015. Collection method: clinical testing. Allele origin: germline. Affected: yes.
Comment: This variant is classified as Pathogenic. Evidence in support of pathogenic classification: Variant is predicted to cause nonsense-mediated decay (NMD) and loss of protein (premature termination codon is located at least 54 nucleotides upstream of the final exon-exon junction); Variant is absent from gnomAD (v2, v3 and v4); Other NMD-predicted variant(s) comparable to the one identified in this case have very strong previous evidence for pathogenicity (DECIPHER, PMID: 37644171); Additional information: This variant is heterozygous; This gene is associated with autosomal dominant disease; This variant has no previous evidence of pathogenicity; No published evidence of segregation with disease has been identified for this variant; No published functional evidence has been identified for this variant; Loss of function is a known mechanism of disease in this gene and is associated with neurodevelopmental disorder with developmental delay and with or without motor or speech delay (MIM#618330).

Literature cited by the submitters: PubMed 37644171.

NM_181552.4(CUX1):c.2950C>T (p.Arg984Ter)

Gene: CUX1 (cut like homeobox 1; plus strand). Cytogenetic location: 7q22.1.
Variant type: single nucleotide variant.
Coding change: c.2950C>T on transcript NM_181552.4 (MANE Select); coding-DNA position 2950, C replaced by T.
Protein change: p.Arg984Ter; replaces arginine 984 with a stop codon.
Molecular consequence: nonsense. On other transcripts: intron variant (5).
Genome position (GRCh38, 1-based): chr7:102,204,433, C>T. VCF-style: chr7-102204433-C-T. GRCh37 (hg19) VCF-style: chr7-101847713-C-T.
Other names: c.2983C>T, p.Arg995Ter (NM_001202543.2); c.1255+8830C>T (NM_001913.5); c.1249+8830C>T (NM_181500.4); c.1117+8830C>T (NM_001202545.3); c.1207+8830C>T (NM_001202544.3); c.1138+8830C>T (NM_001202546.3); short protein forms R984*, R995*.
Identifiers: ClinVar variation 4532047 (VCV004532047.1).